The following is an entry in ClinVar:

NM_015909.4(NBAS):c.2023A>T (p.Thr675Ser)

Gene: NBAS (NBAS subunit of NRZ tethering complex; minus strand). Cytogenetic location: 2p24.3.
Variant type: single nucleotide variant.
Coding change: c.2023A>T on transcript NM_015909.4 (MANE Select); coding-DNA position 2023, A replaced by T.
Protein change: p.Thr675Ser; replaces threonine 675 with serine.
Molecular consequence: missense variant. On other transcripts: non-coding transcript variant (1).
Genome position (GRCh38, 1-based): chr2:15,467,403, T>A on the plus strand (A>T on the coding strand, the complement: NBAS is on the minus strand). VCF-style: chr2-15467403-T-A. GRCh37 (hg19) VCF-style: chr2-15607527-T-A.
Other names: short protein forms T675S.
Identifiers: ClinVar variation 2115282 (VCV002115282.4), dbSNP rs2528104491, ClinGen allele CA345882583.

ClinVar aggregate classification (germline): Uncertain significance (1 of 4 stars; one submission).

Submission:

Labcorp Genetics (formerly Invitae), Labcorp
Classification: Uncertain significance. Last evaluated: 2022-04-07. Review status: criteria provided, single submitter. Criteria: Invitae Variant Classification Sherloc (09022015). Collection method: clinical testing. Allele origin: germline.
Comment: Algorithms developed to predict the effect of missense changes on protein structure and function are either unavailable or do not agree on the potential impact of this missense change (SIFT: "Deleterious"; PolyPhen-2: "Benign"; Align-GVGD: "Class C55"). In summary, the available evidence is currently insufficient to determine the role of this variant in disease. Therefore, it has been classified as a Variant of Uncertain Significance. This variant has not been reported in the literature in individuals affected with NBAS-related conditions. This variant is not present in population databases (gnomAD no frequency). This sequence change replaces threonine, which is neutral and polar, with serine, which is neutral and polar, at codon 675 of the NBAS protein (p.Thr675Ser).